The following is an entry in ClinVar:

ClinVar aggregate classification (germline): Uncertain significance (1 of 4 stars; one submission).

Conditions:
Inborn genetic diseases. Identifiers: MedGen C0950123, MeSH D030342.

Submission:

Ambry Genetics
Classification: Uncertain significance for Inborn genetic diseases. Last evaluated: 2026-05-04. Review status: criteria provided, single submitter. Criteria: Ambry Variant Classification Scheme 2023. Collection method: clinical testing. Allele origin: germline.
Comment: The p.S1203F variant (also known as c.3608C>T), located in coding exon 14 of the FANCM gene, results from a C to T substitution at nucleotide position 3608. The serine at codon 1203 is replaced by phenylalanine, an amino acid with highly dissimilar properties. This amino acid position is conserved. In addition, this alteration is predicted to be tolerated by in silico analysis. Based on the available evidence, the clinical significance of this variant remains unclear.

NM_020937.4(FANCM):c.3608C>T (p.Ser1203Phe)

Gene: FANCM (FA complementation group M; plus strand). Cytogenetic location: 14q21.2.
Variant type: single nucleotide variant.
Coding change: c.3608C>T on transcript NM_020937.4 (MANE Select); coding-DNA position 3608, C replaced by T.
Protein change: p.Ser1203Phe; replaces serine 1203 with phenylalanine.
Molecular consequence: missense variant.
Genome position (GRCh38, 1-based): chr14:45,176,362, C>T. VCF-style: chr14-45176362-C-T. GRCh37 (hg19) VCF-style: chr14-45645565-C-T.
Other names: c.3530C>T, p.Ser1177Phe (NM_001308133.2); short protein forms S1177F, S1203F.
Identifiers: ClinVar variation 4871119 (VCV004871119.1).
Genomic context (GRCh38, chr14:45,176,362, plus strand): 5'-TGTTGGACAATAATTCTGAACTCCAAGATCAAATCACCCGTGATGCTAATAGTTTTAAAT[C>T]TCGTGATCAGAGAGGTGTACAGGAAGAAAAAGTGAAGAATCATGAGGATATTTTTGATTG-3'
Protein context (NP_065988.1, residues 1193-1213): QITRDANSFK[Ser1203Phe]RDQRGVQEEK